The following is an entry in ClinVar:

NM_021930.6(RINT1):c.2160C>G (p.Cys720Trp)

Genes: EFCAB10 (EF-hand calcium binding domain 10; minus strand), RINT1 (RAD50 interactor 1; plus strand). Cytogenetic location: 7q22.3.
Variant type: single nucleotide variant.
Coding change: c.2160C>G on transcript NM_021930.6 (MANE Select); coding-DNA position 2160, C replaced by G.
Protein change: p.Cys720Trp; replaces cysteine 720 with tryptophan.
Molecular consequence: missense variant. On other transcripts: non-coding transcript variant (1), intron variant (3).
Genome position (GRCh38, 1-based): chr7:105,565,622, C>G. VCF-style: chr7-105565622-C-G. GRCh37 (hg19) VCF-style: chr7-105206069-C-G.
Other names: c.1926C>G, p.Cys642Trp (NM_001346599.2); c.1137C>G, p.Cys379Trp (NM_001346600.2, NM_001346603.2); c.1236C>G, p.Cys412Trp (NM_001346601.2); c.360-175G>C (NM_001355531.2); c.384-175G>C (NM_001355526.2); c.384-7G>C (NM_001355530.2); short protein forms C379W, C412W, C642W, C720W.
Identifiers: ClinVar variation 1005546 (VCV001005546.12), dbSNP rs755060169, ClinGen allele CA4426883.

ClinVar aggregate classification (germline): Uncertain significance. Review status: criteria provided, multiple submitters, no conflicts (2 of 4 stars). 2 submissions from 2 submitters: Uncertain significance (2). Last evaluated 2024-06-21.

Allele frequency attached by ClinVar (database versions not stated): gnomAD exomes below 0.00001; TOPMed below 0.00001; ExAC 0.00001; gnomAD 0.00001.
gnomAD v4.1: 3 of 1,609,834 alleles (0.00019%); highest among the groups gnomAD compares: African/African-American, 0.0013%; no homozygotes.

Submissions (2):

Ambry Genetics
Classification: Uncertain significance. Last evaluated: 2024-06-21. Review status: criteria provided, single submitter. Criteria: Ambry Variant Classification Scheme 2023. Collection method: clinical testing. Allele origin: germline.
Comment: The p.C720W variant (also known as c.2160C>G), located in coding exon 14 of the RINT1 gene, results from a C to G substitution at nucleotide position 2160. The cysteine at codon 720 is replaced by tryptophan, an amino acid with highly dissimilar properties. This amino acid position is highly conserved in available vertebrate species. In addition, the in silico prediction for this alteration is inconclusive. Since supporting evidence is limited at this time, the clinical significance of this alteration remains unclear.

Labcorp Genetics (formerly Invitae), Labcorp
Classification: Uncertain significance. Last evaluated: 2017-08-24. Review status: criteria provided, single submitter. Criteria: Invitae Variant Classification Sherloc (09022015). Collection method: clinical testing. Allele origin: germline.
Comment: In summary, the available evidence is currently insufficient to determine the role of this variant in disease. Therefore, it has been classified as a Variant of Uncertain Significance. Algorithms developed to predict the effect of missense changes on protein structure and function do not agree on the potential impact of this missense change (SIFT: "Deleterious"; PolyPhen-2: "Probably Damaging"; Align-GVGD: "Class C15"). This variant has not been reported in the literature in individuals with RINT1-related disease. This variant is present in population databases (rs755060169, ExAC 0.01%). This sequence change replaces cysteine with tryptophan at codon 720 of the RINT1 protein (p.Cys720Trp). The cysteine residue is highly conserved and there is a large physicochemical difference between cysteine and tryptophan.